The following is an entry in ClinVar:

NM_003801.4(GPAA1):c.845G>A (p.Gly282Glu)

Gene: GPAA1 (glycosylphosphatidylinositol anchor attachment 1; plus strand). Cytogenetic location: 8q24.3.
Variant type: single nucleotide variant.
Coding change: c.845G>A on transcript NM_003801.4 (MANE Select); coding-DNA position 845, G replaced by A.
Protein change: p.Gly282Glu; replaces glycine 282 with glutamic acid.
Molecular consequence: missense variant.
Genome position (GRCh38, 1-based): chr8:144,084,444, G>A. VCF-style: chr8-144084444-G-A. GRCh37 (hg19) VCF-style: chr8-145139347-G-A.
Other names: c.845G>A (NM_003801.3); short protein forms G282E.
Identifiers: ClinVar variation 1422952 (VCV001422952.5), dbSNP rs782752908, ClinGen allele CA4932953.

ClinVar aggregate classification (germline): Uncertain significance. Review status: criteria provided, multiple submitters, no conflicts (2 of 4 stars). 2 submissions from 2 submitters: Uncertain significance (2). Last evaluated 2026-02-02.

Conditions:
Inborn genetic diseases. Identifiers: MedGen C0950123, MeSH D030342.

Allele frequency attached by ClinVar (database versions not stated): gnomAD 0.00001; gnomAD exomes 0.00005 and 0.00011; TOPMed 0.00006; ExAC 0.00008.

Submissions (2):

Labcorp Genetics (formerly Invitae), Labcorp
Classification: Uncertain significance. Last evaluated: 2026-02-02. Review status: criteria provided, single submitter. Criteria: Invitae Variant Classification Sherloc (09022015). Collection method: clinical testing. Allele origin: germline.
Comment: This sequence change replaces glycine, which is neutral and non-polar, with glutamic acid, which is acidic and polar, at codon 282 of the GPAA1 protein (p.Gly282Glu). This variant is present in population databases (rs782752908, gnomAD 0.07%). This variant has not been reported in the literature in individuals affected with GPAA1-related conditions. ClinVar contains an entry for this variant (Variation ID: 1422952). Invitae Evidence Modeling of protein sequence and biophysical properties (such as structural, functional, and spatial information, amino acid conservation, physicochemical variation, residue mobility, and thermodynamic stability) indicates that this missense variant is not expected to disrupt GPAA1 protein function with a negative predictive value of 80%. In summary, the available evidence is currently insufficient to determine the role of this variant in disease. Therefore, it has been classified as a Variant of Uncertain Significance.

Ambry Genetics
Classification: Uncertain significance for Inborn genetic diseases. Last evaluated: 2022-08-10. Review status: criteria provided, single submitter. Criteria: Ambry Variant Classification Scheme 2023. Collection method: clinical testing. Allele origin: germline.
Comment: The c.845G>A (p.G282E) alteration is located in exon 7 (coding exon 7) of the GPAA1 gene. This alteration results from a G to A substitution at nucleotide position 845, causing the glycine (G) at amino acid position 282 to be replaced by a glutamic acid (E). The p.G282E alteration is predicted to be tolerated by in silico analysis. Based on insufficient or conflicting evidence, the clinical significance of this alteration remains unclear.